The following is an entry in ClinVar:

ClinVar aggregate classification (germline): Pathogenic (1 of 4 stars; one submission).

Conditions:
Autosomal recessive nonsyndromic hearing loss 3. Also called: NEUROSENSORY NONSYNDROMIC RECESSIVE DEAFNESS 3. Identifiers: Orphanet 90636, MedGen C1838263, MONDO:0010860, OMIM 600316.

Submission:

Institute of Rare Diseases, West China Hospital, Sichuan University
Classification: Pathogenic for Autosomal recessive nonsyndromic hearing loss 3. Last evaluated: 2025-01-09. Review status: criteria provided, single submitter. Criteria: ClinGen HL ACMG Specifications v1. Collection method: research. Allele origin: germline. Affected: yes.
Comment: PVS1;PM3_Strong;PM2_Supporting

NM_016239.4(MYO15A):c.8559_8599del (p.Val2854fs)

Gene: MYO15A (myosin XVA; plus strand). Cytogenetic location: 17p11.2.
Variant type: Deletion.
Coding change: c.8559_8599del on transcript NM_016239.4 (MANE Select); coding-DNA positions 8559 to 8599, 41 bases deleted.
Protein change: p.Val2854fs; shifts the reading frame from valine 2854.
Molecular consequence: frameshift variant.
Genome position (GRCh38, 1-based): chr17:18,156,294-18,156,334, 41 bases deleted; deleting any 41 consecutive bases within chr17:18,156,293-18,156,334 gives the same sequence; the c. name uses the placement nearest the transcript's 3' end. GRCh37 (hg19): chr17:18,059,608-18,059,648.
Other names: short protein forms V2854fs.
Identifiers: ClinVar variation 3601401 (VCV003601401.1).